The following is an entry in ClinVar:

ClinVar aggregate classification (germline): Uncertain significance (1 of 4 stars; one submission).

Submission:

GeneDx
Classification: Uncertain significance. Last evaluated: 2026-02-19. Review status: criteria provided, single submitter. Criteria: GeneDx Variant Classification Process June 2021. Collection method: clinical testing. Allele origin: germline.
Comment: Not observed at significant frequency in large population cohorts (gnomAD); In silico analysis suggests that this missense variant does not alter protein structure/function; Has not been previously published as pathogenic or benign to our knowledge

NM_139058.3(ARX):c.521C>T (p.Ser174Leu)

Gene: ARX (aristaless related homeobox; minus strand). Cytogenetic location: Xp21.3.
Variant type: single nucleotide variant.
Coding change: c.521C>T on transcript NM_139058.3 (MANE Select); coding-DNA position 521, C replaced by T.
Protein change: p.Ser174Leu; replaces serine 174 with leucine.
Molecular consequence: missense variant.
Genome position (GRCh38, 1-based): chrX:25,013,474, G>A on the plus strand (C>T on the coding strand, the complement: ARX is on the minus strand). VCF-style: chrX-25013474-G-A. GRCh37 (hg19) VCF-style: chrX-25031591-G-A.
Other names: short protein forms S174L.
Identifiers: ClinVar variation 4887943 (VCV004887943.1).
Genomic context (GRCh38, chrX:25,013,474, plus strand): 5'-CCGCCCAGCTCGTCCAGCGCGGGCGGCGGCGGCACGAAGGGCGCCCCGTTCTCGCGGTAC[G>A]ACTTGCTGCGGCTGATGCTCACCTGCGGCGCCTGGCTGATCTTGAGCGTGTCCCAGGCCG-3'
Protein context (NP_620689.1, residues 164-184): APQVSISRSK[Ser174Leu]YRENGAPFVP